The following is an entry in ClinVar:

NM_000158.4(GBE1):c.1543C>G (p.Arg515Gly)

Gene: GBE1 (1,4-alpha-glucan branching enzyme 1; minus strand). Cytogenetic location: 3p12.2.
Variant type: single nucleotide variant.
Coding change: c.1543C>G on transcript NM_000158.4 (MANE Select); coding-DNA position 1543, C replaced by G.
Protein change: p.Arg515Gly; replaces arginine 515 with glycine.
Molecular consequence: missense variant.
Genome position (GRCh38, 1-based): chr3:81,578,000, G>C on the plus strand (C>G on the coding strand, the complement: GBE1 is on the minus strand). VCF-style: chr3-81578000-G-C. GRCh37 (hg19) VCF-style: chr3-81627151-G-C.
Other names: short protein forms R515G.
Identifiers: ClinVar variation 2930057 (VCV002930057.3), dbSNP rs80338672, ClinGen allele CA353684713.

ClinVar aggregate classification (germline): Likely pathogenic (1 of 4 stars; one submission).

Conditions:
Glycogen storage disease, type IV (GSD4). Also called: Glycogen storage disease due to glycogen branching enzyme deficiency; AMYLOPECTINOSIS; ANDERSEN DISEASE; BRANCHER DEFICIENCY; CIRRHOSIS, FAMILIAL, WITH DEPOSITION OF ABNORMAL GLYCOGEN; GBE1 DEFICIENCY. Identifiers: Orphanet 367, MedGen C0017923, MONDO:0009292, OMIM 232500.
Glycogen storage disease IV, classic hepatic. Also called: GSD IV, CLASSIC HEPATIC. Identifiers: MedGen C1856301.

Submission:

Labcorp Genetics (formerly Invitae), Labcorp
Classification: Likely pathogenic for Glycogen storage disease, type IV; Glycogen storage disease IV, classic hepatic. Last evaluated: 2022-11-29. Review status: criteria provided, single submitter. Criteria: Invitae Variant Classification Sherloc (09022015). Collection method: clinical testing. Allele origin: germline.
Comment: This missense change has been observed in individual(s) with GBE1-related conditions (PMID: 33517539). This sequence change replaces arginine, which is basic and polar, with glycine, which is neutral and non-polar, at codon 515 of the GBE1 protein (p.Arg515Gly). This variant is not present in population databases (gnomAD no frequency). Advanced modeling of protein sequence and biophysical properties (such as structural, functional, and spatial information, amino acid conservation, physicochemical variation, residue mobility, and thermodynamic stability) performed at Invitae indicates that this missense variant is expected to disrupt GBE1 protein function. This variant disrupts the p.Arg515 amino acid residue in GBE1. Other variant(s) that disrupt this residue have been determined to be pathogenic (PMID: 10762170, 24248152; Invitae). This suggests that this residue is clinically significant, and that variants that disrupt this residue are likely to be disease-causing. In summary, the currently available evidence indicates that the variant is pathogenic, but additional data are needed to prove that conclusively. Therefore, this variant has been classified as Likely Pathogenic.

Literature cited by the submitters: PubMed 33517539; PubMed 10762170; PubMed 24248152.